The following is an entry in ClinVar:

NM_001029883.3(PCARE):c.2965C>A (p.Pro989Thr)

Gene: PCARE (photoreceptor cilium actin regulator; minus strand). Cytogenetic location: 2p23.2.
Variant type: single nucleotide variant.
Coding change: c.2965C>A on transcript NM_001029883.3 (MANE Select); coding-DNA position 2965, C replaced by A.
Protein change: p.Pro989Thr; replaces proline 989 with threonine.
Molecular consequence: missense variant.
Genome position (GRCh38, 1-based): chr2:29,071,297, G>T on the plus strand (C>A on the coding strand, the complement: PCARE is on the minus strand). VCF-style: chr2-29071297-G-T. GRCh37 (hg19) VCF-style: chr2-29294163-G-T.
Other names: short protein forms P989T.
Identifiers: ClinVar variation 335645 (VCV000335645.13), dbSNP rs184281410, ClinGen allele CA1592069.

ClinVar aggregate classification (germline): Conflicting classifications of pathogenicity. Review status: criteria provided, conflicting classifications (1 of 4 stars). 4 submissions from 4 submitters: Uncertain significance (3); Likely benign (1). Last evaluated 2026-01-12.

Conditions:
Retinitis pigmentosa (RP). Identifiers: Orphanet 791, MedGen C0035334, MeSH D012174, MONDO:0019200, OMIM 268000. Inheritance: Autosomal dominant, autosomal recessive and X linked inheritance.
Retinitis pigmentosa 54 (RP54). Identifiers: Orphanet 791, MedGen C3150691, MONDO:0013263, OMIM 613428.

Allele frequency attached by ClinVar (database versions not stated): TOPMed 0.00014; 1000 Genomes Project 30x 0.00016.
gnomAD v4.1: 140 of 1,613,462 alleles (0.0087%); highest among the groups gnomAD compares: East Asian, 0.02%; no homozygotes.

Submissions (4):

Labcorp Genetics (formerly Invitae), Labcorp
Classification: Uncertain significance. Last evaluated: 2026-01-12. Review status: criteria provided, single submitter. Criteria: Invitae Variant Classification Sherloc (09022015). Collection method: clinical testing. Allele origin: germline.
Comment: This sequence change replaces proline, which is neutral and non-polar, with threonine, which is neutral and polar, at codon 989 of the PCARE protein (p.Pro989Thr). This variant is present in population databases (rs184281410, gnomAD 0.04%). This variant has not been reported in the literature in individuals affected with PCARE-related conditions. ClinVar contains an entry for this variant (Variation ID: 335645). An algorithm developed to predict the effect of missense changes on protein structure and function outputs the following: PolyPhen-2: "Benign". The threonine amino acid residue is found in multiple mammalian species, which suggests that this missense change does not adversely affect protein function. In summary, the available evidence is currently insufficient to determine the role of this variant in disease. Therefore, it has been classified as a Variant of Uncertain Significance.

Blueprint Genetics
Classification: Likely benign. Last evaluated: 2024-10-31. Review status: criteria provided, single submitter. Criteria: ACMG Guidelines, 2015. Collection method: clinical testing. Allele origin: germline.

Department of Pathology and Laboratory Medicine, Sinai Health System
Classification: Uncertain significance for Retinitis pigmentosa 54. Last evaluated: 2023-02-15. Review status: criteria provided, single submitter. Criteria: ACMG Guidelines, 2015. Collection method: research. Allele origin: germline.

Illumina Laboratory Services, Illumina
Classification: Uncertain significance for Retinitis pigmentosa. Last evaluated: 2018-01-12. Review status: criteria provided, single submitter. Criteria: ICSL Variant Classification Criteria 13 December 2019. Collection method: clinical testing. Allele origin: germline.